The following is an entry in ClinVar:

ClinVar aggregate classification (germline): Uncertain significance. Review status: criteria provided, multiple submitters, no conflicts (2 of 4 stars). 2 submissions from 2 submitters: Uncertain significance (2). Last evaluated 2024-03-16.

Conditions:
Glycogen storage disease due to phosphoglycerate kinase 1 deficiency. Also called: PGK1 DEFICIENCY; PHOSPHOGLYCERATE KINASE 1 DEFICIENCY WITH LEVO-DOPA-RESPONSIVE PARKINSONISM. Identifiers: Orphanet 713, MedGen C1970848, MONDO:0010392, OMIM 300653.

Submissions (2):

Labcorp Genetics (formerly Invitae), Labcorp
Classification: Uncertain significance. Last evaluated: 2024-03-16. Review status: criteria provided, single submitter. Criteria: Invitae Variant Classification Sherloc (09022015). Collection method: clinical testing. Allele origin: germline.
Comment: This sequence change replaces alanine, which is neutral and non-polar, with serine, which is neutral and polar, at codon 304 of the PGK1 protein (p.Ala304Ser). Information on the frequency of this variant in the gnomAD database is not available, as this variant may be reported differently in the database. This variant has not been reported in the literature in individuals affected with PGK1-related conditions. ClinVar contains an entry for this variant (Variation ID: 1524969). Experimental studies and prediction algorithms are not available or were not evaluated, and the functional significance of this variant is currently unknown. In summary, the available evidence is currently insufficient to determine the role of this variant in disease. Therefore, it has been classified as a Variant of Uncertain Significance.

MGZ Medical Genetics Center
Classification: Uncertain significance for Glycogen storage disease due to phosphoglycerate kinase 1 deficiency. Last evaluated: 2022-04-22. Review status: criteria provided, single submitter. Criteria: ACMG Guidelines, 2015. Collection method: clinical testing. Allele origin: germline. Affected: yes. Observed: 1 variant allele.
Comment: ACMG criteria applied: PM2_SUP, PP3

NM_000291.4(PGK1):c.909_910delinsTT (p.Ala304Ser)

Gene: PGK1 (phosphoglycerate kinase 1; plus strand). Cytogenetic location: Xq21.1.
Variant type: Indel.
Coding change: c.909_910delinsTT on transcript NM_000291.4 (MANE Select); coding-DNA positions 909 to 910, GG replaced by TT.
Protein change: p.Ala304Ser; replaces alanine 304 with serine.
Molecular consequence: missense variant.
Genome position (GRCh38, 1-based): chrX:78,123,347-78,123,348, GG replaced by TT. VCF-style: chrX-78123347-GG-TT. GRCh37 (hg19) VCF-style: chrX-77378844-GG-TT.
Other names: short protein forms A304S.
Identifiers: ClinVar variation 1524969 (VCV001524969.8), dbSNP rs2149136202, ClinGen allele CA2573159565.